The following is an entry in ClinVar:

NM_152296.5(ATP1A3):c.6+1G>A

Genes: ATP1A3 (ATPase Na+/K+ transporting subunit alpha 3; minus strand), LOC130064543 (ATAC-STARR-seq lymphoblastoid silent region 10681; plus strand). Cytogenetic location: 19q13.2.
Variant type: single nucleotide variant.
Coding change: c.6+1G>A on transcript NM_152296.5 (MANE Select); the canonical splice donor site of the intron after coding-DNA position 6, G replaced by A.
Molecular consequence: splice donor variant.
Genome position (GRCh38, 1-based): chr19:41,994,070, C>T on the plus strand (G>A on the coding strand, the complement: ATP1A3 is on the minus strand). VCF-style: chr19-41994070-C-T. GRCh37 (hg19) VCF-style: chr19-42498222-C-T.
Other names: c.6+1G>A (NM_001256214.2).
Identifiers: ClinVar variation 4718808 (VCV004718808.1).

ClinVar aggregate classification (germline): Likely pathogenic (1 of 4 stars; one submission).

Conditions:
Dystonia 12 (DYT12). Also called: DYT-ATP1A3; Rapid-Onset Dystonia-Parkinsonism (RDP). Identifiers: Orphanet 71517, MedGen C1868681, MONDO:0007496, OMIM 128235.

Submission:

Labcorp Genetics (formerly Invitae), Labcorp
Classification: Likely pathogenic for Dystonia 12. Last evaluated: 2025-10-05. Review status: criteria provided, single submitter. Criteria: Invitae Variant Classification Sherloc (09022015). Collection method: clinical testing. Allele origin: germline.
Comment: This sequence change affects a donor splice site in intron 1 of the ATP1A3 gene. It is expected to disrupt RNA splicing. Variants that disrupt the donor or acceptor splice site typically lead to a loss of protein function (PMID: 16199547), and loss-of-function variants in ATP1A3 are known to be pathogenic (PMID: 24631656, 24983657). This variant is not present in population databases (gnomAD no frequency). This variant has not been reported in the literature in individuals affected with ATP1A3-related conditions. Algorithms developed to predict the effect of sequence changes on RNA splicing suggest that this variant may disrupt the consensus splice site. In summary, the currently available evidence indicates that the variant is pathogenic, but additional data are needed to prove that conclusively. Therefore, this variant has been classified as Likely Pathogenic.

Literature cited by the submitters: PubMed 16199547; PubMed 24631656; PubMed 24983657.